The following is an entry in ClinVar:

ClinVar aggregate classification (germline): Benign/Likely benign. Review status: criteria provided, multiple submitters, no conflicts (2 of 4 stars). 2 submissions from 2 submitters: Benign (1); Likely benign (1). Last evaluated 2026-04-01.

Allele frequency attached by ClinVar (database versions not stated): 1000 Genomes Project 0.00220; 1000 Genomes Project 30x 0.00250; TOPMed 0.00469; ESP Exome Variant Server 0.00605; gnomAD 0.00620 and 0.00652.
gnomAD v4.1: 11,785 of 1,612,986 alleles (0.73%); highest among the groups gnomAD compares: Non-Finnish European, 0.85%; 62 homozygotes.

Submissions (2):

CeGaT Center for Human Genetics Tuebingen
Classification: Likely benign. Last evaluated: 2026-04-01. Review status: criteria provided, single submitter. Criteria: CeGaT Center For Human Genetics Tuebingen Variant Classification Criteria Version 2. Collection method: clinical testing. Allele origin: germline. Affected: yes. Observed: 3 variant alleles.
Comment: HLA-DPA1: BP4, BS2

Labcorp Genetics (formerly Invitae), Labcorp
Classification: Benign. Last evaluated: 2018-07-31. Review status: criteria provided, single submitter. Criteria: Invitae Variant Classification Sherloc (09022015). Collection method: clinical testing. Allele origin: germline.

NM_033554.4(HLA-DPA1):c.662C>T (p.Thr221Met)

Gene: HLA-DPA1 (major histocompatibility complex, class II, DP alpha 1; minus strand). Cytogenetic location: 6p21.32.
Variant type: single nucleotide variant.
Coding change: c.662C>T on transcript NM_033554.4 (MANE Select); coding-DNA position 662, C replaced by T.
Protein change: p.Thr221Met; replaces threonine 221 with methionine.
Molecular consequence: missense variant.
Genome position (GRCh38, 1-based): chr6:33,068,771, G>A on the plus strand (C>T on the coding strand, the complement: HLA-DPA1 is on the minus strand). VCF-style: chr6-33068771-G-A. GRCh37 (hg19) VCF-style: chr6-33036548-G-A.
Other names: c.662C>T, p.Thr221Met (NM_001242524.2, NM_001242525.2, NM_001405020.1); short protein forms T221M.
Identifiers: ClinVar variation 779334 (VCV000779334.30), dbSNP rs56046206, ClinGen allele CA3749245.